The following is an entry in ClinVar:

NM_000540.3(RYR1):c.10440+1G>A

Gene: RYR1 (ryanodine receptor 1; plus strand). Cytogenetic location: 19q13.2.
Variant type: single nucleotide variant.
Coding change: c.10440+1G>A on transcript NM_000540.3 (MANE Select); the canonical splice donor site of the intron after coding-DNA position 10440, G replaced by A.
Molecular consequence: splice donor variant.
Genome position (GRCh38, 1-based): chr19:38,523,310, G>A. VCF-style: chr19-38523310-G-A. GRCh37 (hg19) VCF-style: chr19-39013950-G-A.
Other names: c.10440+1G>A (NM_001042723.2).
Identifiers: ClinVar variation 3073422 (VCV003073422.2), dbSNP rs2514464325, ClinGen allele CA405699994.

ClinVar aggregate classification (germline): Conflicting classifications of pathogenicity. Review status: criteria provided, conflicting classifications (1 of 4 stars). 2 submissions from 2 submitters: Likely pathogenic (1); Uncertain significance (1). Last evaluated 2025-06-25.

Conditions:
RYR1-related disorder. Also called: RYR1-related condition; RYR1-related disorders. Identifiers: MedGen CN239331.
Malignant hyperthermia, susceptibility to, 1 (MHS1). Also called: Anesthesia related hyperthermia; Malignant hyperpyrexia; Fulminating hyperpyrexia; Pharmacogenic myopathy; RYR1-Related Malignant Hyperthermia Susceptibility; Malignant hyperthermia suceptibility 1. Identifiers: Orphanet 423, MedGen C2930980, MONDO:0007783, OMIM 145600.

Submissions (2):

Labcorp Genetics (formerly Invitae), Labcorp
Classification: Likely pathogenic for RYR1-related disorder. Last evaluated: 2025-06-25. Review status: criteria provided, single submitter. Criteria: Invitae Variant Classification Sherloc (09022015). Collection method: clinical testing. Allele origin: germline.
Comment: This sequence change affects a donor splice site in intron 69 of the RYR1 gene. It is expected to disrupt RNA splicing. Variants that disrupt the donor or acceptor splice site typically lead to a loss of protein function (PMID: 16199547), and loss-of-function variants in RYR1 are known to be pathogenic (PMID: 23919265, 25960145, 28818389, 30611313). This variant is not present in population databases (gnomAD no frequency). This variant has not been reported in the literature in individuals affected with RYR1-related conditions. ClinVar contains an entry for this variant (Variation ID: 3073422). Algorithms developed to predict the effect of sequence changes on RNA splicing suggest that this variant may disrupt the consensus splice site. In summary, the currently available evidence indicates that the variant is pathogenic, but additional data are needed to prove that conclusively. Therefore, this variant has been classified as Likely Pathogenic.

All of Us Research Program, National Institutes of Health
Classification: Uncertain significance for Malignant hyperthermia, susceptibility to, 1. Last evaluated: 2023-09-17. Review status: criteria provided, single submitter. Criteria: ACMG Guidelines, 2015. Collection method: clinical testing. Allele origin: germline. Inheritance: Autosomal dominant inheritance. Observed: 1 variant allele, 1 heterozygote.
Comment: This pathogenicity assessment is for autosomal dominant malignant hyperthermia susceptibility phenotype. This canonical splice site variant is predicted to result in an absent RYR1 protein product. Loss of RYR1 function due to haploinsufficiency is associated with congenital myopathy, but it is not an established disease mechanism for autosomal dominant malignant hyperthermia susceptibility. Therefore, this variant is classified as a Variant of Uncertain Significance for malignant hyperthermia susceptibility.

This study involves interpretation of variants in research participants for the purpose of population health screening. Participant phenotype was not available at the time of variant classification. Additional details can be found in publication PMID: 35346344, PMCID: PMC8962531

Literature cited by the submitters: PubMed 16199547 (cited by Labcorp Genetics (formerly Invitae), Labcorp); PubMed 23919265 (cited by Labcorp Genetics (formerly Invitae), Labcorp); PubMed 25960145 (cited by Labcorp Genetics (formerly Invitae), Labcorp); PubMed 28818389 (cited by Labcorp Genetics (formerly Invitae), Labcorp); PubMed 30611313 (cited by Labcorp Genetics (formerly Invitae), Labcorp).